The following is an entry in ClinVar:

NM_032119.4(ADGRV1):c.10444G>A (p.Asp3482Asn)

Gene: ADGRV1 (adhesion G protein-coupled receptor V1; plus strand). Cytogenetic location: 5q14.3.
Variant type: single nucleotide variant.
Coding change: c.10444G>A on transcript NM_032119.4 (MANE Select); coding-DNA position 10444, G replaced by A.
Protein change: p.Asp3482Asn; replaces aspartic acid 3482 with asparagine.
Molecular consequence: missense variant. On other transcripts: non-coding transcript variant (1).
Genome position (GRCh38, 1-based): chr5:90,729,659, G>A. VCF-style: chr5-90729659-G-A. GRCh37 (hg19) VCF-style: chr5-90025476-G-A.
Other names: short protein forms D3482N.
Identifiers: ClinVar variation 953126 (VCV000953126.9), dbSNP rs371432045, ClinGen allele CA122810102.
Genomic context (GRCh38, chr5:90,729,659, plus strand): 5'-GTAACTTTTGCATTAAGATTTGACTTCTATTTCATTATTGCAGGAGATCAGAATTCAATT[G>A]ATATTTTCATCTGGGAGATGGGACAGTCTTCCTTCAGGTATTTTCAGTCTGTAGATTTTG-3'
Protein context (NP_115495.3, residues 3472-3492): NVFLGDQNSI[Asp3482Asn]IFIWEMGQSS

ClinVar aggregate classification (germline): Uncertain significance (1 of 4 stars; one submission).

Allele frequency attached by ClinVar (database versions not stated): TOPMed 0.00001; ESP Exome Variant Server 0.00008.
gnomAD v4.1: 12 of 1,605,532 alleles (0.00075%); highest among the groups gnomAD compares: African/African-American, 0.0013%; no homozygotes.

Submission:

Labcorp Genetics (formerly Invitae), Labcorp
Classification: Uncertain significance. Last evaluated: 2022-05-06. Review status: criteria provided, single submitter. Criteria: Invitae Variant Classification Sherloc (09022015). Collection method: clinical testing. Allele origin: germline.
Comment: In summary, the available evidence is currently insufficient to determine the role of this variant in disease. Therefore, it has been classified as a Variant of Uncertain Significance. Algorithms developed to predict the effect of missense changes on protein structure and function are either unavailable or do not agree on the potential impact of this missense change (SIFT: "Deleterious"; PolyPhen-2: "Possibly Damaging"; Align-GVGD: "Class C0"). This sequence change replaces aspartic acid, which is acidic and polar, with asparagine, which is neutral and polar, at codon 3482 of the ADGRV1 protein (p.Asp3482Asn). This variant is not present in population databases (gnomAD no frequency). This variant has not been reported in the literature in individuals affected with ADGRV1-related conditions. ClinVar contains an entry for this variant (Variation ID: 953126).